The following is an entry in ClinVar:

ClinVar aggregate classification (germline): Uncertain significance (1 of 4 stars; one submission).

Submission:

Labcorp Genetics (formerly Invitae), Labcorp
Classification: Uncertain significance. Last evaluated: 2023-10-16. Review status: criteria provided, single submitter. Criteria: Invitae Variant Classification Sherloc (09022015). Collection method: clinical testing. Allele origin: germline.
Comment: This sequence change replaces alanine, which is neutral and non-polar, with proline, which is neutral and non-polar, at codon 212 of the POLE protein (p.Ala212Pro). This variant is not present in population databases (gnomAD no frequency). This variant has not been reported in the literature in individuals affected with POLE-related conditions. Advanced modeling of protein sequence and biophysical properties (such as structural, functional, and spatial information, amino acid conservation, physicochemical variation, residue mobility, and thermodynamic stability) performed at Invitae indicates that this missense variant is not expected to disrupt POLE protein function. In summary, the available evidence is currently insufficient to determine the role of this variant in disease. Therefore, it has been classified as a Variant of Uncertain Significance.

NM_006231.4(POLE):c.634G>C (p.Ala212Pro)

Gene: POLE (DNA polymerase epsilon, catalytic subunit; minus strand). Cytogenetic location: 12q24.33.
Variant type: single nucleotide variant.
Coding change: c.634G>C on transcript NM_006231.4 (MANE Select); coding-DNA position 634, G replaced by C.
Protein change: p.Ala212Pro; replaces alanine 212 with proline.
Molecular consequence: missense variant.
Genome position (GRCh38, 1-based): chr12:132,677,664, C>G on the plus strand (G>C on the coding strand, the complement: POLE is on the minus strand). VCF-style: chr12-132677664-C-G. GRCh37 (hg19) VCF-style: chr12-133254250-C-G.
Other names: short protein forms A212P.
Identifiers: ClinVar variation 2769070 (VCV002769070.3), dbSNP rs2136021024, ClinGen allele CA387365199.
Genomic context (GRCh38, chr12:132,677,664, plus strand): 5'-GGCGGATGTGGTAGGGAACATCGTACTCGCGCATGTCCACAATGTTGTCCAACTGGTCAG[C>G]TATCTTCTTAGAGGTTTCCTCTTCATCAGTAATGACACCGCCCCTCTGCAGAACACTAGG-3'
Protein context (NP_006222.2, residues 202-222): TDEEETSKKI[Ala212Pro]DQLDNIVDMR